The following is an entry in ClinVar:

ClinVar aggregate classification (germline): Uncertain significance. Review status: criteria provided, multiple submitters, no conflicts (2 of 4 stars). 2 submissions from 2 submitters: Uncertain significance (2). Last evaluated 2020-08-08.

Conditions:
Bardet-Biedl syndrome (BBS). Identifiers: Orphanet 110, MedGen C0752166, MONDO:0015229.

Submissions (2):

Labcorp Genetics (formerly Invitae), Labcorp
Classification: Uncertain significance for Bardet-Biedl syndrome. Last evaluated: 2020-08-08. Review status: criteria provided, single submitter. Criteria: Invitae Variant Classification Sherloc (09022015). Collection method: clinical testing. Allele origin: germline.
Comment: This sequence change replaces glutamine with histidine at codon 38 of the TTC8 protein (p.Gln38His). The glutamine residue is highly conserved and there is a small physicochemical difference between glutamine and histidine. This variant also falls at the last nucleotide of exon 2 of the TTC8 coding sequence, which is part of the consensus splice site for this exon. This variant is not present in population databases (ExAC no frequency). This variant has not been reported in the literature in individuals with TTC8-related conditions. Algorithms developed to predict the effect of missense changes on protein structure and function are either unavailable or do not agree on the potential impact of this missense change (SIFT: "Deleterious"; PolyPhen-2: "Benign"; Align-GVGD: "Class C0"). Nucleotide substitutions within the consensus splice site are a relatively common cause of aberrant splicing (PMID: 17576681, 9536098). Algorithms developed to predict the effect of sequence changes on RNA splicing suggest that this variant may disrupt the consensus splice site, but this prediction has not been confirmed by published transcriptional studies. In summary, the available evidence is currently insufficient to determine the role of this variant in disease. Therefore, it has been classified as a Variant of Uncertain Significance.

Blueprint Genetics
Classification: Uncertain significance. Last evaluated: 2019-08-30. Review status: criteria provided, single submitter. Criteria: ACMG Guidelines, 2015. Collection method: clinical testing. Allele origin: germline.

Literature cited by the submitters: PubMed 17576681 (cited by Labcorp Genetics (formerly Invitae), Labcorp); PubMed 9536098 (cited by Labcorp Genetics (formerly Invitae), Labcorp).

NM_144596.4(TTC8):c.114G>T (p.Gln38His)

Gene: TTC8 (tetratricopeptide repeat domain 8; plus strand). Cytogenetic location: 14q31.3.
Variant type: single nucleotide variant.
Coding change: c.114G>T on transcript NM_144596.4 (MANE Select); coding-DNA position 114, G replaced by T.
Protein change: p.Gln38His; replaces glutamine 38 with histidine.
Molecular consequence: missense variant. On other transcripts: 5 prime UTR variant (2), non-coding transcript variant (1).
Genome position (GRCh38, 1-based): chr14:88,824,821, G>T. VCF-style: chr14-88824821-G-T. GRCh37 (hg19) VCF-style: chr14-89291165-G-T.
Other names: c.114G>T, p.Gln38His (NM_001288781.1, NM_001366535.2, NM_001366536.2 and 2 more transcripts); c.-449G>T (NM_001288782.1); c.-544G>T (NM_001288783.1); short protein forms Q38H.
Identifiers: ClinVar variation 1044048 (VCV001044048.9), dbSNP rs2094691170, ClinGen allele CA390568048.
Genomic context (GRCh38, chr14:88,824,821, plus strand): 5'-GAAGTTCCAGCTCTGCGCCGATCTATGCACGCAGATGCTGGAGAAGTCCCCTTATGACCA[G>T]GTACCGGCCAGCTCCCGTCAGCCTGTGCATCCTGACGCTGAGGCTGCGGGGTCTGGGGCA-3'
Protein context (NP_653197.2, residues 28-48): TQMLEKSPYD[Gln38His]EPDPELPVHQ